The following is an entry in ClinVar:

NM_001267550.2(TTN):c.59634T>C (p.Pro19878=)

Genes: TTN (titin; minus strand), TTN-AS1 (TTN antisense RNA 1; plus strand), LOC126806424 (CDK7 strongly-dependent group 2 enhancer GRCh37_chr2:179456337-179457536; plus strand). Cytogenetic location: 2q31.2.
Variant type: single nucleotide variant.
Coding change: c.59634T>C on transcript NM_001267550.2 (MANE Select); coding-DNA position 59634, T replaced by C.
Protein change: p.Pro19878=; no amino-acid change (proline 19878 retained).
Molecular consequence: synonymous variant.
Genome position (GRCh38, 1-based): chr2:178,592,270, A>G on the plus strand (T>C on the coding strand, the complement: TTN is on the minus strand). VCF-style: chr2-178592270-A-G. GRCh37 (hg19) VCF-style: chr2-179456997-A-G.
Other names: c.54711T>C, p.Pro18237= (NM_001256850.1); c.32439T>C, p.Pro10813= (NM_003319.4); c.51930T>C, p.Pro17310= (NM_133378.4); c.32814T>C, p.Pro10938= (NM_133432.3); c.33015T>C, p.Pro11005= (NM_133437.4).
Identifiers: ClinVar variation 1118756 (VCV001118756.10), dbSNP rs529488909, ClinGen allele CA1992627.

ClinVar aggregate classification (germline): Likely benign. Review status: criteria provided, multiple submitters, no conflicts (2 of 4 stars). 2 submissions from 2 submitters: Likely benign (2). Last evaluated 2025-12-16.

Conditions:
TTN-related disorder. Also called: TTN-related condition; TTN-related disease; TTN-related disorders.
Autosomal recessive limb-girdle muscular dystrophy type 2J (LGMDR10). Also called: Limb-girdle muscular dystrophy, type 2J; MUSCULAR DYSTROPHY, LIMB-GIRDLE, AUTOSOMAL RECESSIVE 10. Identifiers: Orphanet 140922, MedGen C1837342, MONDO:0012127, OMIM 608807.
Dilated cardiomyopathy 1G (CMD1G). Identifiers: Orphanet 154, MedGen C1858763, MONDO:0011400, OMIM 604145.

Allele frequency attached by ClinVar (database versions not stated): TOPMed below 0.00001; gnomAD 0.00001; gnomAD exomes 0.00001 and 0.00002; ExAC 0.00003; 1000 Genomes Project 30x 0.00031; 1000 Genomes Project 0.00040.

Submissions (2):

Labcorp Genetics (formerly Invitae), Labcorp
Classification: Likely benign for Dilated cardiomyopathy 1G; Autosomal recessive limb-girdle muscular dystrophy type 2J. Last evaluated: 2025-12-16. Review status: criteria provided, single submitter. Criteria: Invitae Variant Classification Sherloc (09022015). Collection method: clinical testing. Allele origin: germline.

PreventionGenetics, part of Exact Sciences
Classification: Likely benign for TTN-related condition. Last evaluated: 2025-10-29. Review status: criteria provided, single submitter. Criteria: ACMG Guidelines, 2015. Collection method: clinical testing. Allele origin: germline.
Comment: This variant is classified as likely benign based on ACMG/AMP sequence variant interpretation guidelines (Richards et al. 2015 PMID: 25741868, with internal and published modifications).